The following is an entry in ClinVar:

NM_004655.4(AXIN2):c.1893G>A (p.Lys631=)

Gene: AXIN2 (axin 2; minus strand). Cytogenetic location: 17q24.1.
Variant type: single nucleotide variant.
Coding change: c.1893G>A on transcript NM_004655.4 (MANE Select); coding-DNA position 1893, G replaced by A.
Protein change: p.Lys631=; no amino-acid change (lysine 631 retained).
Molecular consequence: synonymous variant. On other transcripts: intron variant (1).
Genome position (GRCh38, 1-based): chr17:65,536,883, C>T on the plus strand (G>A on the coding strand, the complement: AXIN2 is on the minus strand). VCF-style: chr17-65536883-C-T. GRCh37 (hg19) VCF-style: chr17-63533001-C-T.
Other names: c.1713-330G>A (NM_001363813.1).
Identifiers: ClinVar variation 1128552 (VCV001128552.10), dbSNP rs761440645, ClinGen allele CA501691051.

ClinVar aggregate classification (germline): Benign/Likely benign. Review status: criteria provided, multiple submitters, no conflicts (2 of 4 stars). 2 submissions from 2 submitters: Benign (1); Likely benign (1). Last evaluated 2024-07-08.

Conditions:
Oligodontia-cancer predisposition syndrome. Also called: TOOTH AGENESIS-COLORECTAL CANCER SYNDROME. Identifiers: Orphanet 300576, MedGen C1837750, MONDO:0012075, OMIM 608615. Disease mechanism: loss of function.

gnomAD v4.1: 1 of 1,613,356 alleles (0.000062%); highest among the groups gnomAD compares: South Asian, 0.0011%; no homozygotes.

Submissions (2):

Myriad Genetics, Inc.
Classification: Benign for Oligodontia-cancer predisposition syndrome. Last evaluated: 2024-07-08. Review status: criteria provided, single submitter. Criteria: Myriad Autosomal Dominant, Autosomal Recessive and X-Linked Classification Criteria (2023). Collection method: clinical testing. Allele origin: unknown.
Comment: This variant is considered benign. This variant is a silent/synonymous amino acid change and it is not expected to impact splicing.

Labcorp Genetics (formerly Invitae), Labcorp
Classification: Likely benign for Oligodontia-cancer predisposition syndrome. Last evaluated: 2020-04-17. Review status: criteria provided, single submitter. Criteria: Invitae Variant Classification Sherloc (09022015). Collection method: clinical testing. Allele origin: germline.